The following is an entry in ClinVar:

NM_080680.3(COL11A2):c.4255A>C (p.Ile1419Leu)

Gene: COL11A2 (collagen type XI alpha 2 chain; minus strand). Cytogenetic location: 6p21.32.
Variant type: single nucleotide variant.
Coding change: c.4255A>C on transcript NM_080680.3 (MANE Select); coding-DNA position 4255, A replaced by C.
Protein change: p.Ile1419Leu; replaces isoleucine 1419 with leucine.
Molecular consequence: missense variant.
Genome position (GRCh38, 1-based): chr6:33,166,803, T>G on the plus strand (A>C on the coding strand, the complement: COL11A2 is on the minus strand). VCF-style: chr6-33166803-T-G. GRCh37 (hg19) VCF-style: chr6-33134580-T-G.
Other names: c.3934A>C, p.Ile1312Leu (NM_080679.3); c.3997A>C, p.Ile1333Leu (NM_080681.3); short protein forms I1333L, I1312L, I1419L.
Identifiers: ClinVar variation 1399248 (VCV001399248.5), dbSNP rs765708674, ClinGen allele CA3750153.

ClinVar aggregate classification (germline): Uncertain significance (1 of 4 stars; one submission).

Allele frequency attached by ClinVar (database versions not stated): ExAC 0.00001; gnomAD exomes 0.00001; TOPMed 0.00002; gnomAD 0.00003.
gnomAD v4.1: 15 of 1,613,216 alleles (0.00093%); highest among the groups gnomAD compares: Admixed American, 0.0083%; no homozygotes.

Submission:

Labcorp Genetics (formerly Invitae), Labcorp
Classification: Uncertain significance. Last evaluated: 2025-02-23. Review status: criteria provided, single submitter. Criteria: Invitae Variant Classification Sherloc (09022015). Collection method: clinical testing. Allele origin: germline.
Comment: This sequence change replaces isoleucine, which is neutral and non-polar, with leucine, which is neutral and non-polar, at codon 1419 of the COL11A2 protein (p.Ile1419Leu). This variant is present in population databases (rs765708674, gnomAD 0.003%). This variant has not been reported in the literature in individuals affected with COL11A2-related conditions. ClinVar contains an entry for this variant (Variation ID: 1399248). Invitae Evidence Modeling of protein sequence and biophysical properties (such as structural, functional, and spatial information, amino acid conservation, physicochemical variation, residue mobility, and thermodynamic stability) indicates that this missense variant is not expected to disrupt COL11A2 protein function with a negative predictive value of 80%. In summary, the available evidence is currently insufficient to determine the role of this variant in disease. Therefore, it has been classified as a Variant of Uncertain Significance.